The following is an entry in ClinVar:

ClinVar aggregate classification (germline): Uncertain significance (1 of 4 stars; one submission).

Allele frequency attached by ClinVar (database versions not stated): gnomAD exomes below 0.00001; ExAC 0.00001.
gnomAD v4.1: 1 of 1,614,102 alleles (0.000062%); highest among the groups gnomAD compares: Non-Finnish European, 0.000085%; no homozygotes.

Submission:

Ambry Genetics
Classification: Uncertain significance. Last evaluated: 2023-05-23. Review status: criteria provided, single submitter. Criteria: Ambry Variant Classification Scheme 2023. Collection method: clinical testing. Allele origin: germline.
Comment: The p.S1536P variant (also known as c.4606T>C), located in coding exon 4 of the ALPK2 gene, results from a T to C substitution at nucleotide position 4606. The serine at codon 1536 is replaced by proline, an amino acid with similar properties. This amino acid position is conserved. In addition, this alteration is predicted to be tolerated by in silico analysis. Since supporting evidence is limited at this time, the clinical significance of this alteration remains unclear.

NM_052947.4(ALPK2):c.4606T>C (p.Ser1536Pro)

Genes: ALPK2 (alpha kinase 2; minus strand), LOC126862764 (BRD4-independent group 4 enhancer GRCh37_chr18:56202574-56203773; plus strand). Cytogenetic location: 18q21.31.
Variant type: single nucleotide variant.
Coding change: c.4606T>C on transcript NM_052947.4 (MANE Select); coding-DNA position 4606, T replaced by C.
Protein change: p.Ser1536Pro; replaces serine 1536 with proline.
Molecular consequence: missense variant.
Genome position (GRCh38, 1-based): chr18:58,535,581, A>G on the plus strand (T>C on the coding strand, the complement: ALPK2 is on the minus strand). VCF-style: chr18-58535581-A-G. GRCh37 (hg19) VCF-style: chr18-56202813-A-G.
Other names: short protein forms S1536P.
Identifiers: ClinVar variation 2564088 (VCV002564088.2), dbSNP rs746999078, ClinGen allele CA8976673.
Genomic context (GRCh38, chr18:58,535,581, plus strand): 5'-CAACCCCAAGAGAAGCGTGAGTCATTATTGGAAGACAACTAGAAAGAGGTGAAGTGGGGG[A>G]AATCAATTCTGCTTTGTCCTTTTTGCTTTGCTCAGCCTCCCCTAAGCTCCCATCACTGCT-3'
Protein context (NP_443179.3, residues 1526-1546): QSKKDKAELI[Ser1536Pro]PTSPLSSCLP